The following is an entry in ClinVar:

ClinVar aggregate classification (germline): Uncertain significance (1 of 4 stars; one submission).

Conditions:
POLD1-related polyposis and colorectal cancer syndrome (CRCS10). Also called: Colorectal cancer 10; COLORECTAL CANCER, SUSCEPTIBILITY TO, ON CHROMOSOME 19q; Colorectal cancer, susceptibility to, 10. Identifiers: Orphanet 220460, MedGen C2675481, MONDO:0012953, OMIM 612591.

Submission:

Labcorp Genetics (formerly Invitae), Labcorp
Classification: Uncertain significance for POLD1-related polyposis and colorectal cancer syndrome. Last evaluated: 2019-02-10. Review status: criteria provided, single submitter. Criteria: Invitae Variant Classification Sherloc (09022015). Collection method: clinical testing. Allele origin: germline.
Comment: Missense variants that disrupt the 3'-5' exonuclease (proof-reading) activity of the POLD1 protein, while not abolishing its polymerase enzyme activity, are associated with an increased risk for colonic adenomatous polyps and colon cancer (PMID: 23263490, 23447401). Loss-of-function truncating variants, which result in an absent or severely disrupted POLD1 protein, are therefore unlikely to be associated with disease. Without further clinical and genetic evidence, however, this variant has been classified as a Variant of Uncertain Significance. The current clinical and genetic evidence is not sufficient to establish whether loss-of-function variants in POLD1 cause disease. This variant has not been reported in the literature in individuals with POLD1-related conditions. This variant is not present in population databases (ExAC no frequency). This sequence change creates a premature translational stop signal (p.Thr721Argfs*7) in the POLD1 gene. It is expected to result in an absent or disrupted protein product.

Literature cited by the submitters: PubMed 23263490; PubMed 23447401.

NM_002691.4(POLD1):c.2162del (p.Thr721fs)

Gene: POLD1 (DNA polymerase delta 1, catalytic subunit; plus strand). Cytogenetic location: 19q13.33.
Variant type: Deletion.
Coding change: c.2162del on transcript NM_002691.4 (MANE Select); coding-DNA position 2162, one base deleted (C; older notation c.2162delC).
Protein change: p.Thr721fs; shifts the reading frame from threonine 721.
Molecular consequence: frameshift variant. On other transcripts: non-coding transcript variant (1).
Genome position (GRCh38, 1-based): chr19:50,413,433, C deleted. VCF-style (leftmost placement, unchanged base first): chr19-50413432-AC-A. GRCh37 (hg19) VCF-style: chr19-50916689-AC-A.
Other names: c.2162del, p.Thr721fs (NM_001256849.1); c.2240del, p.Thr747fs (NM_001308632.1); short protein forms T721fs, T747fs.
Identifiers: ClinVar variation 864261 (VCV000864261.9), dbSNP rs2039156923, ClinGen allele CA916082477.
Genomic context (GRCh38, chr19:50,413,432, plus strand): 5'-GTTCACTGCACATGGCCCCCAGGGCTTCACTCCGCATGATTCTCTCCCCGACAGAGCGTC[AC>A]GGGGTTCGGACGTCAGATGATCGAGAAAACCAAGCAGCTGGTGGAGTCTAAGTACACAGT-3'